The following is an entry in ClinVar:

NM_016239.4(MYO15A):c.8882C>A (p.Thr2961Lys)

Gene: MYO15A (myosin XVA; plus strand). Cytogenetic location: 17p11.2.
Variant type: single nucleotide variant.
Coding change: c.8882C>A on transcript NM_016239.4 (MANE Select); coding-DNA position 8882, C replaced by A.
Protein change: p.Thr2961Lys; replaces threonine 2961 with lysine.
Molecular consequence: missense variant.
Genome position (GRCh38, 1-based): chr17:18,157,815, C>A. VCF-style: chr17-18157815-C-A. GRCh37 (hg19) VCF-style: chr17-18061129-C-A.
Other names: short protein forms T2961K.
Identifiers: ClinVar variation 4822627 (VCV004822627.4).
Genomic context (GRCh38, chr17:18,157,815, plus strand): 5'-GCCGCTTCCCTTCGGAGCTGGTGCAGCCCGCTGCTGCCCCCGACTTCCTGCAGCTGCCAA[C>A]GGAGCCAGGCCGCGGCCGAGCAGCCGCCGTGGCCGCTGCTGTGGCCTCTGCAGCCGCTGC-3'
Protein context (NP_057323.3, residues 2951-2971): AAAPDFLQLP[Thr2961Lys]EPGRGRAAAV

ClinVar aggregate classification (germline): Uncertain significance (1 of 4 stars; one submission).

gnomAD v4.1: 11 of 1,599,538 alleles (0.00069%); highest among the groups gnomAD compares: East Asian, 0.018%; no homozygotes.

Submission:

CeGaT Center for Human Genetics Tuebingen
Classification: Uncertain significance. Last evaluated: 2026-02-01. Review status: criteria provided, single submitter. Criteria: CeGaT Center For Human Genetics Tuebingen Variant Classification Criteria Version 2. Collection method: clinical testing. Allele origin: germline. Affected: yes. Observed: 1 variant allele.
Comment: MYO15A: PM2:Supporting, BP4